The following is an entry in ClinVar:

ClinVar aggregate classification (germline): Uncertain significance. Review status: criteria provided, multiple submitters, no conflicts (2 of 4 stars). 5 submissions from 5 submitters: Uncertain significance (5). Last evaluated 2022-07-06.

Conditions:
Cardiovascular phenotype. Identifiers: MedGen CN230736.
Dilated cardiomyopathy 1G (CMD1G). Identifiers: Orphanet 154, MedGen C1858763, MONDO:0011400, OMIM 604145.
Hypertrophic cardiomyopathy 9. Also called: Familial hypertrophic cardiomyopathy 9. Identifiers: MedGen C1861065, MONDO:0013412, OMIM 613765.

Allele frequency attached by ClinVar (database versions not stated): gnomAD 0.00001; gnomAD exomes 0.00001 and 0.00002; TOPMed 0.00001; ExAC 0.00003.
gnomAD v4.1: 9 of 1,612,964 alleles (0.00056%); highest among the groups gnomAD compares: East Asian, 0.0045%; no homozygotes.

Submissions (5):

New York Genome Center
Classification: Uncertain significance for Hypertrophic cardiomyopathy 9; Dilated cardiomyopathy 1G. Last evaluated: 2022-07-06. Review status: criteria provided, single submitter. Criteria: NYGC Assertion Criteria 2020. Collection method: clinical testing. Allele origin: germline. Observed: 1 variant allele.

Revvity Omics, Revvity
Classification: Uncertain significance. Last evaluated: 2019-06-06. Review status: criteria provided, single submitter. Criteria: ACMG Guidelines, 2015. Collection method: clinical testing. Allele origin: germline.

Ambry Genetics
Classification: Uncertain significance for Cardiovascular phenotype. Last evaluated: 2016-06-16. Review status: criteria provided, single submitter. Criteria: Ambry Variant Classification Scheme 2023. Collection method: clinical testing. Allele origin: germline.
Comment: The p.R4743H variant (also known as c.14228G>A), located in coding exon 53 of the TTN gene, results from a G to A substitution at nucleotide position 14228. This alteration is located in the I-band region of the N2-B isoform of the titin protein. The arginine at codon 4743 is replaced by histidine, an amino acid with highly similar properties. This alteration has been reported as a secondary cardiac variant in an exome cohort (Ng D et al. Circ Cardiovasc Genet. 2013;6(4):337-46 (reported as p.R11240H, c.33719G>A)). This variant was previously reported in the SNPDatabase as rs764850788. Based on data from ExAC, the A allele has an overall frequency of less than 0.01% (3/103331). In the ESP, this variant was not observed in 6217 samples (12434 alleles) with coverage at this position. This amino acid position is highly conserved in available vertebrate species. In addition, this alteration is predicted to be tolerated by in silico analysis. Since supporting evidence is limited at this time, the clinical significance of this variant remains unclear.

Eurofins Ntd Llc (ga)
Classification: Uncertain significance. Last evaluated: 2015-08-21. Review status: criteria provided, single submitter. Criteria: EGL Classification Definitions 2015. Collection method: clinical testing. Allele origin: germline. Observed: 1 variant allele, 1 heterozygote.

Biesecker Lab/Clinical Genomics Section, National Institutes of Health
Classification: Uncertain significance. Last evaluated: 2013-06-24. Review status: criteria provided, single submitter. Criteria: Ng et al. (Circ Cardiovasc Genet. 2013). Collection method: research. Allele origin: unknown. Observed: 1 variant allele. Study: ClinSeq.
Comment: The study set was not selected for affection status in relation to any cancer. Pathogenicity categories were based on literature curation. See Pubmed ID:23861362 for details.

Medical sequencing

Literature cited by the submitters: PubMed 23861362 (cited by Ambry Genetics).

NM_001267550.2(TTN):c.41423G>A (p.Arg13808His)

Gene: TTN (titin; minus strand). Cytogenetic location: 2q31.2.
Variant type: single nucleotide variant.
Coding change: c.41423G>A on transcript NM_001267550.2 (MANE Select); coding-DNA position 41423, G replaced by A.
Protein change: p.Arg13808His; replaces arginine 13808 with histidine.
Molecular consequence: missense variant.
Genome position (GRCh38, 1-based): chr2:178,636,148, C>T on the plus strand (G>A on the coding strand, the complement: TTN is on the minus strand). VCF-style: chr2-178636148-C-T. GRCh37 (hg19) VCF-style: chr2-179500875-C-T.
Other names: c.36500G>A, p.Arg12167His (NM_001256850.1); c.14228G>A, p.Arg4743His (NM_003319.4); c.33719G>A, p.Arg11240His (NM_133378.4); c.14603G>A, p.Arg4868His (NM_133432.3); c.14804G>A, p.Arg4935His (NM_133437.4); short protein forms R11240H, R13808H, R12167H, R4743H, R4868H, R4935H.
Identifiers: ClinVar variation 191972 (VCV000191972.14), dbSNP rs764850788, ClinGen allele CA237998.